The following is an entry in ClinVar:

ClinVar aggregate classification (germline): Conflicting classifications of pathogenicity. Review status: criteria provided, conflicting classifications (1 of 4 stars). 2 submissions from 2 submitters: Uncertain significance (1); Likely benign (1). Last evaluated 2023-03-23.

Conditions:
Hereditary cancer-predisposing syndrome. Also called: Hereditary Cancer Syndrome; Neoplastic Syndromes, Hereditary; Tumor predisposition; Hereditary neoplastic syndrome. Identifiers: Orphanet 140162, MedGen C0027672, MeSH D009386, MONDO:0015356.

Submissions (2):

University of Washington Department of Laboratory Medicine, University of Washington
Classification: Likely benign for Hereditary cancer-predisposing syndrome. Last evaluated: 2023-03-23. Review status: criteria provided, single submitter. Criteria: Dines et al. (Genet Med. 2020). Collection method: curation. Allele origin: germline.
Comment: Missense variant in a coldspot region where missense variants are very unlikely to be pathogenic (PMID:31911673).

BRCA2 exon 11 coldspot. Reclassification based on statistical prior probability.

Ambry Genetics
Classification: Uncertain significance for Hereditary cancer-predisposing syndrome. Last evaluated: 2022-02-12. Review status: criteria provided, single submitter. Criteria: Ambry Variant Classification Scheme 2023. Collection method: clinical testing. Allele origin: germline.
Comment: The p.L1635S variant (also known as c.4904T>C), located in coding exon 10 of the BRCA2 gene, results from a T to C substitution at nucleotide position 4904. The leucine at codon 1635 is replaced by serine, an amino acid with dissimilar properties. This amino acid position is conserved. In addition, this alteration is predicted to be tolerated by in silico analysis. Since supporting evidence is limited at this time, the clinical significance of this alteration remains unclear.

NM_000059.4(BRCA2):c.4904T>C (p.Leu1635Ser)

Gene: BRCA2 (BRCA2 DNA repair associated; plus strand). Cytogenetic location: 13q13.1.
Variant type: single nucleotide variant.
Coding change: c.4904T>C on transcript NM_000059.4 (MANE Select); coding-DNA position 4904, T replaced by C.
Protein change: p.Leu1635Ser; replaces leucine 1635 with serine.
Molecular consequence: missense variant.
Genome position (GRCh38, 1-based): chr13:32,339,259, T>C. VCF-style: chr13-32339259-T-C. GRCh37 (hg19) VCF-style: chr13-32913396-T-C.
Other names: c.4904T>C, p.Leu1635Ser (NM_001406719.1, NM_001406720.1); short protein forms L1635S.
Identifiers: ClinVar variation 1744005 (VCV001744005.4), dbSNP rs886038110, ClinGen allele CA387783567.
Genomic context (GRCh38, chr13:32,339,259, plus strand): 5'-TCTTAAGTGATAATTTATGTAGACAAACTGAAAATCTCAAAACATCAAAAAGTATCTTTT[T>C]GAAAGTTAAAGTACATGAAAATGTAGAAAAAGAAACAGCAAAAAGTCCTGCAACTTGTTA-3'
Protein context (NP_000050.3, residues 1625-1645): ENLKTSKSIF[Leu1635Ser]KVKVHENVEK